The following is an entry in ClinVar:

ClinVar aggregate classification (germline): Uncertain significance. Review status: criteria provided, multiple submitters, no conflicts (2 of 4 stars). 2 submissions from 2 submitters: Uncertain significance (2). Last evaluated 2025-08-13.

Conditions:
Developmental and epileptic encephalopathy, 18 (DEE18). Also called: Early infantile epileptic encephalopathy 18. Identifiers: Orphanet 369894, MedGen C3809624, MONDO:0014201, OMIM 615476.

gnomAD v4.1: 16 of 1,614,036 alleles (0.00099%); highest among the groups gnomAD compares: East Asian, 0.0022%; no homozygotes.

Submissions (2):

GeneDx
Classification: Uncertain significance. Last evaluated: 2025-08-13. Review status: criteria provided, single submitter. Criteria: GeneDx Variant Classification Process June 2021. Collection method: clinical testing. Allele origin: germline. Affected: yes.
Comment: Not observed at significant frequency in large population cohorts (gnomAD); In silico analysis supports that this missense variant has a deleterious effect on protein structure/function; Has not been previously published as pathogenic or benign to our knowledge

Genomic Medicine Center of Excellence, King Faisal Specialist Hospital and Research Centre
Classification: Uncertain significance for Developmental and epileptic encephalopathy, 18. Last evaluated: 2024-12-19. Review status: criteria provided, single submitter. Criteria: ACMG Guidelines, 2015. Collection method: clinical testing. Allele origin: germline.

NM_001365999.1(SZT2):c.391G>A (p.Gly131Arg)

Gene: SZT2 (SZT2 subunit of KICSTOR complex; plus strand). Cytogenetic location: 1p34.2.
Variant type: single nucleotide variant.
Coding change: c.391G>A on transcript NM_001365999.1 (MANE Select); coding-DNA position 391, G replaced by A.
Protein change: p.Gly131Arg; replaces glycine 131 with arginine.
Molecular consequence: missense variant.
Genome position (GRCh38, 1-based): chr1:43,404,443, G>A. VCF-style: chr1-43404443-G-A. GRCh37 (hg19) VCF-style: chr1-43870114-G-A.
Other names: c.391G>A (NM_015284.3); c.391G>A, p.Gly131Arg (NM_015284.4); short protein forms G131R.
Identifiers: ClinVar variation 3393252 (VCV003393252.2).
Genomic context (GRCh38, chr1:43,404,443, plus strand): 5'-GATTCCACAGGGGAGATCTTGTTTGATGAAGTTTTCCATGCCCTGTCCCGCTGCTTAGGC[G>A]GGCTGCTTCGGCCCTTCCGAGTGCCTGGATCTTGCATCGACTTCCAGCCTGAGATCTATG-3'
Protein context (NP_001352928.1, residues 121-141): VFHALSRCLG[Gly131Arg]LLRPFRVPGS